The following is an entry in ClinVar:

NM_015192.4(PLCB1):c.3584A>G (p.His1195Arg)

Gene: PLCB1 (phospholipase C beta 1; plus strand). Cytogenetic location: 20p12.3.
Variant type: single nucleotide variant.
Coding change: c.3584A>G on transcript NM_015192.4 (MANE Select); coding-DNA position 3584, A replaced by G.
Protein change: p.His1195Arg; replaces histidine 1195 with arginine.
Molecular consequence: missense variant. On other transcripts: 3 prime UTR variant (1).
Genome position (GRCh38, 1-based): chr20:8,881,782, A>G. VCF-style: chr20-8881782-A-G. GRCh37 (hg19) VCF-style: chr20-8862429-A-G.
Other names: p.His1195Arg; c.*180A>G (NM_182734.3); short protein forms H1195R.
Identifiers: ClinVar variation 283209 (VCV000283209.66), dbSNP rs186429469, ClinGen allele CA9760651.

ClinVar aggregate classification (germline): Conflicting classifications of pathogenicity. Review status: criteria provided, conflicting classifications (1 of 4 stars). 9 submissions from 9 submitters: Uncertain significance (1); Benign (2); Likely benign (5). 1 of the submissions does not count toward it. Last evaluated 2026-06-01.

Conditions:
PLCB1-related disorder. Also called: PLCB1-related condition.
Inborn genetic diseases. Identifiers: MedGen C0950123, MeSH D030342.
Developmental and epileptic encephalopathy, 12 (DEE12). Identifiers: MedGen C3150988, MONDO:0013389, OMIM 613722.

Allele frequency attached by ClinVar (database versions not stated): ESP Exome Variant Server 0.00008; gnomAD 0.00016 and 0.00027; gnomAD exomes 0.00039 and 0.00099; TOPMed 0.00041; ExAC 0.00113; 1000 Genomes Project 30x 0.00156; 1000 Genomes Project 0.00160.
gnomAD v4.1: 633 of 1,614,140 alleles (0.039%); highest among the groups gnomAD compares: Middle Eastern, 0.25%; 7 homozygotes.

Submissions (9):

CeGaT Center for Human Genetics Tuebingen
Classification: Likely benign. Last evaluated: 2026-06-01. Review status: criteria provided, single submitter. Criteria: CeGaT Center For Human Genetics Tuebingen Variant Classification Criteria Version 2. Collection method: clinical testing. Allele origin: germline. Affected: yes. Observed: 3 variant alleles.
Comment: PLCB1: BS2

Labcorp Genetics (formerly Invitae), Labcorp
Classification: Benign for Developmental and epileptic encephalopathy, 12. Last evaluated: 2025-09-24. Review status: criteria provided, single submitter. Criteria: Invitae Variant Classification Sherloc (09022015). Collection method: clinical testing. Allele origin: germline.

Mayo Clinic Laboratories, Mayo Clinic
Classification: Benign. Last evaluated: 2025-01-03. Review status: criteria provided, single submitter. Criteria: ACMG Guidelines, 2015. Collection method: clinical testing. Allele origin: germline. Observed: 1 variant allele.
Comment: BS1, BS2, BP4_moderate

GeneDx
Classification: Likely benign. Last evaluated: 2021-04-21. Review status: criteria provided, single submitter. Criteria: GeneDx Variant Classification Process June 2021. Collection method: clinical testing. Allele origin: germline. Affected: yes.

Ambry Genetics
Classification: Likely benign for Inborn genetic diseases. Last evaluated: 2018-08-07. Review status: criteria provided, single submitter. Criteria: Ambry Variant Classification Scheme 2023. Collection method: clinical testing. Allele origin: germline.

Athena Diagnostics
Classification: Likely benign. Last evaluated: 2018-03-19. Review status: criteria provided, single submitter. Criteria: Athena Diagnostics Criteria. Collection method: clinical testing. Allele origin: germline.

Illumina Laboratory Services, Illumina
Classification: Uncertain significance for Developmental and epileptic encephalopathy, 12. Last evaluated: 2018-01-13. Review status: criteria provided, single submitter. Criteria: ICSL Variant Classification Criteria 13 December 2019. Collection method: clinical testing. Allele origin: germline.

Eurofins Ntd Llc (ga)
Classification: Likely benign. Last evaluated: 2015-09-11. Review status: criteria provided, single submitter. Criteria: EGL Classification Definitions 2015. Collection method: clinical testing. Allele origin: germline. Observed: 1 variant allele, 1 heterozygote.

PreventionGenetics, part of Exact Sciences
Classification: Likely benign for PLCB1-related condition. Last evaluated: 2024-07-31. Review status: no assertion criteria provided. Collection method: clinical testing. Allele origin: germline. Not counted in ClinVar's aggregate classification.
Comment: This variant is classified as likely benign based on ACMG/AMP sequence variant interpretation guidelines (Richards et al. 2015 PMID: 25741868, with internal and published modifications).